The following is an entry in ClinVar:

ClinVar aggregate classification (germline): Uncertain significance (1 of 4 stars; one submission).

Conditions:
Cardiac arrhythmia. Also called: Cardiac rhythm disease; Arrhythmia. Identifiers: MedGen C0003811, MONDO:0007263, HP:0011675.

Submission:

Labcorp Genetics (formerly Invitae), Labcorp
Classification: Uncertain significance for Cardiac arrhythmia. Last evaluated: 2023-12-13. Review status: criteria provided, single submitter. Criteria: Invitae Variant Classification Sherloc (09022015). Collection method: clinical testing. Allele origin: germline.
Comment: This sequence change replaces leucine, which is neutral and non-polar, with valine, which is neutral and non-polar, at codon 175 of the RANGRF protein (p.Leu175Val). This variant is not present in population databases (gnomAD no frequency). This variant has not been reported in the literature in individuals affected with RANGRF-related conditions. An algorithm developed to predict the effect of missense changes on protein structure and function (PolyPhen-2) suggests that this variant is likely to be disruptive. In summary, the available evidence is currently insufficient to determine the role of this variant in disease. Therefore, it has been classified as a Variant of Uncertain Significance.

NM_016492.5(RANGRF):c.523C>G (p.Leu175Val)

Genes: RANGRF (RAN guanine nucleotide release factor; plus strand), SLC25A35 (solute carrier family 25 member 35; minus strand). Cytogenetic location: 17p13.1.
Variant type: single nucleotide variant.
Coding change: c.523C>G on transcript NM_016492.5 (MANE Select); coding-DNA position 523, C replaced by G.
Protein change: p.Leu175Val; replaces leucine 175 with valine.
Molecular consequence: missense variant. On other transcripts: 3 prime UTR variant (3), non-coding transcript variant (2).
Genome position (GRCh38, 1-based): chr17:8,289,898, C>G. VCF-style: chr17-8289898-C-G. GRCh37 (hg19) VCF-style: chr17-8193216-C-G.
Other names: c.*306C>G (NM_001177801.2); c.*337C>G (NM_001177802.2); c.*80C>G (NM_001330127.2); c.816G>C, p.Gln272His (NM_001320871.2, NM_001320872.2, NM_201520.3); short protein forms L175V, Q272H.
Identifiers: ClinVar variation 2871304 (VCV002871304.3), dbSNP rs1990348126, ClinGen allele CA397997664.